The following is an entry in ClinVar:

NM_005956.4(MTHFD1):c.943C>G (p.Pro315Ala)

Gene: MTHFD1 (methylenetetrahydrofolate dehydrogenase, cyclohydrolase and formyltetrahydrofolate synthetase 1; plus strand). Cytogenetic location: 14q23.3.
Variant type: single nucleotide variant.
Coding change: c.943C>G on transcript NM_005956.4 (MANE Select); coding-DNA position 943, C replaced by G.
Protein change: p.Pro315Ala; replaces proline 315 with alanine.
Molecular consequence: missense variant.
Genome position (GRCh38, 1-based): chr14:64,425,817, C>G. VCF-style: chr14-64425817-C-G. GRCh37 (hg19) VCF-style: chr14-64892535-C-G.
Other names: c.943C>G, p.Pro315Ala (NM_001364837.1); short protein forms P315A.
Identifiers: ClinVar variation 1372832 (VCV001372832.6), dbSNP rs771978838, ClinGen allele CA261835304.

ClinVar aggregate classification (germline): Uncertain significance (1 of 4 stars; one submission).

Allele frequency attached by ClinVar (database versions not stated): TOPMed below 0.00001.
gnomAD v4.1: 31 of 1,613,636 alleles (0.0019%); highest among the groups gnomAD compares: Non-Finnish European, 0.0025%; no homozygotes.

Submission:

Labcorp Genetics (formerly Invitae), Labcorp
Classification: Uncertain significance. Last evaluated: 2025-02-18. Review status: criteria provided, single submitter. Criteria: Invitae Variant Classification Sherloc (09022015). Collection method: clinical testing. Allele origin: germline.
Comment: This sequence change replaces proline, which is neutral and non-polar, with alanine, which is neutral and non-polar, at codon 315 of the MTHFD1 protein (p.Pro315Ala). This variant is not present in population databases (gnomAD no frequency). This variant has not been reported in the literature in individuals affected with MTHFD1-related conditions. ClinVar contains an entry for this variant (Variation ID: 1372832). Invitae Evidence Modeling of protein sequence and biophysical properties (such as structural, functional, and spatial information, amino acid conservation, physicochemical variation, residue mobility, and thermodynamic stability) indicates that this missense variant is expected to disrupt MTHFD1 protein function with a positive predictive value of 80%. In summary, the available evidence is currently insufficient to determine the role of this variant in disease. Therefore, it has been classified as a Variant of Uncertain Significance.